The following is an entry in ClinVar:

NM_001379286.1(ZNF423):c.1827C>T (p.Ala609=)

Gene: ZNF423 (zinc finger protein 423; minus strand). Cytogenetic location: 16q12.1.
Variant type: single nucleotide variant.
Coding change: c.1827C>T on transcript NM_001379286.1 (MANE Select); coding-DNA position 1827, C replaced by T.
Protein change: p.Ala609=; no amino-acid change (alanine 609 retained).
Molecular consequence: synonymous variant.
Genome position (GRCh38, 1-based): chr16:49,637,349, G>A on the plus strand (C>T on the coding strand, the complement: ZNF423 is on the minus strand). VCF-style: chr16-49637349-G-A. GRCh37 (hg19) VCF-style: chr16-49671260-G-A.
Other names: c.1803C>T (NM_015069.4); c.1623C>T, p.Ala541= (NM_001271620.2); c.1452C>T, p.Ala484= (NM_001330533.2); c.1803C>T, p.Ala601= (NM_015069.5).
Identifiers: ClinVar variation 1166110 (VCV001166110.13), dbSNP rs376118736, ClinGen allele CA8046626.

ClinVar aggregate classification (germline): Benign/Likely benign. Review status: criteria provided, multiple submitters, no conflicts (2 of 4 stars). 4 submissions from 4 submitters: Benign (1); Likely benign (2). 1 of the submissions does not count toward it. Last evaluated 2026-09-01.

Conditions:
ZNF423-related disorder. Also called: ZNF423-related condition.
Nephronophthisis 14 (NPHP14). Identifiers: Orphanet 2318, MedGen C3539071, MONDO:0013916, OMIM 614844.

Allele frequency attached by ClinVar (database versions not stated): TOPMed 0.00011; gnomAD 0.00016 and 0.00023; gnomAD exomes 0.00016 and 0.00036; ExAC 0.00040; 1000 Genomes Project 30x 0.00125; 1000 Genomes Project 0.00160.

Submissions (4):

CeGaT Center for Human Genetics Tuebingen
Classification: Likely benign. Last evaluated: 2026-09-01. Review status: criteria provided, single submitter. Criteria: CeGaT Center For Human Genetics Tuebingen Variant Classification Criteria Version 2. Collection method: clinical testing. Allele origin: germline. Affected: yes. Observed: 1 variant allele.
Comment: ZNF423: BP4, BP7

Labcorp Genetics (formerly Invitae), Labcorp
Classification: Benign for Nephronophthisis 14. Last evaluated: 2025-12-22. Review status: criteria provided, single submitter. Criteria: Invitae Variant Classification Sherloc (09022015). Collection method: clinical testing. Allele origin: germline.

Blueprint Genetics
Classification: Likely benign. Last evaluated: 2024-03-08. Review status: criteria provided, single submitter. Criteria: ACMG Guidelines, 2015. Collection method: clinical testing. Allele origin: germline.

PreventionGenetics, part of Exact Sciences
Classification: Likely benign for ZNF423-related condition. Last evaluated: 2019-05-31. Review status: no assertion criteria provided. Collection method: clinical testing. Allele origin: germline. Not counted in ClinVar's aggregate classification.
Comment: This variant is classified as likely benign based on ACMG/AMP sequence variant interpretation guidelines (Richards et al. 2015 PMID: 25741868, with internal and published modifications).